The following is an entry in ClinVar:

ClinVar aggregate classification (germline): Pathogenic (1 of 4 stars; one submission).

Conditions:
Cardiovascular phenotype. Identifiers: MedGen CN230736.
Hereditary cancer-predisposing syndrome. Also called: Neoplastic Syndromes, Hereditary; Tumor predisposition; Hereditary Cancer Syndrome; Hereditary neoplastic syndrome. Identifiers: Orphanet 140162, MedGen C0027672, MeSH D009386, MONDO:0015356.

Submission:

Ambry Genetics
Classification: Pathogenic for Cardiovascular phenotype; Hereditary cancer-predisposing syndrome. Last evaluated: 2025-10-24. Review status: criteria provided, single submitter. Criteria: Ambry Variant Classification Scheme 2023. Collection method: clinical testing. Allele origin: germline.
Comment: The c.3122_3140del19 pathogenic mutation, located in coding exon 24 of the NF1 gene, results from a deletion of 19 nucleotides at nucleotide positions 3122 to 3140, causing a translational frameshift with a predicted alternate stop codon (p.M1041Tfs*15). This variant was reported in individual(s) with features consistent with neurofibromatosis type 1 (Ambry internal data). This variant is considered to be rare based on population cohorts in the Genome Aggregation Database (gnomAD). This alteration is expected to result in loss of function by premature protein truncation or nonsense-mediated mRNA decay. As such, this alteration is interpreted as a disease-causing mutation.

NM_001042492.3(NF1):c.3122_3140del (p.Met1041fs)

Gene: NF1 (neurofibromin 1; plus strand). Cytogenetic location: 17q11.2.
Variant type: Deletion.
Coding change: c.3122_3140del on transcript NM_001042492.3 (MANE Select); coding-DNA positions 3122 to 3140, 19 bases deleted (TGGTAGAATACCTGACAGA).
Protein change: p.Met1041fs; shifts the reading frame from methionine 1041.
Molecular consequence: frameshift variant.
Genome position (GRCh38, 1-based): chr17:31,230,850-31,230,868, TGGTAGAATACCTGACAGA deleted; deleting any 19 consecutive bases within chr17:31,230,847-31,230,868 gives the same sequence; the c. name uses the placement nearest the transcript's 3' end. VCF-style (leftmost placement, unchanged base first): chr17-31230846-AAGATGGTAGAATACCTGAC-A. GRCh37 (hg19) VCF-style: chr17-29557864-AAGATGGTAGAATACCTGAC-A.
Other names: c.3122_3140del, p.Met1041fs (NM_000267.4); short protein forms M1041fs.
Identifiers: ClinVar variation 4615766 (VCV004615766.1).